The following is an entry in ClinVar:

ClinVar aggregate classification (germline): Benign/Likely benign. Review status: criteria provided, multiple submitters, no conflicts (2 of 4 stars). 3 submissions from 3 submitters: Benign (1); Likely benign (2). Last evaluated 2026-01-01.

Conditions:
PDE6C-related disorder. Also called: PDE6C-related condition.

Allele frequency attached by ClinVar (database versions not stated): gnomAD 0.00007; ESP Exome Variant Server 0.00015; gnomAD exomes 0.00015 and 0.00061; TOPMed 0.00027; ExAC 0.00050.
gnomAD v4.1: 222 of 1,613,652 alleles (0.014%); highest among the groups gnomAD compares: Admixed American, 0.27%; 1 homozygote.

Submissions (3):

Labcorp Genetics (formerly Invitae), Labcorp
Classification: Likely benign. Last evaluated: 2026-01-01. Review status: criteria provided, single submitter. Criteria: Invitae Variant Classification Sherloc (09022015). Collection method: clinical testing. Allele origin: germline.

PreventionGenetics, part of Exact Sciences
Classification: Likely benign for PDE6C-related condition. Last evaluated: 2024-12-13. Review status: criteria provided, single submitter. Criteria: ACMG Guidelines, 2015. Collection method: clinical testing. Allele origin: germline.
Comment: This variant is classified as likely benign based on ACMG/AMP sequence variant interpretation guidelines (Richards et al. 2015 PMID: 25741868, with internal and published modifications).

Blueprint Genetics
Classification: Benign. Last evaluated: 2022-11-09. Review status: criteria provided, single submitter. Criteria: ACMG Guidelines, 2015. Collection method: clinical testing. Allele origin: germline.

NM_006204.4(PDE6C):c.1007C>T (p.Thr336Met)

Gene: PDE6C (phosphodiesterase 6C; plus strand). Cytogenetic location: 10q23.33.
Variant type: single nucleotide variant.
Coding change: c.1007C>T on transcript NM_006204.4 (MANE Select); coding-DNA position 1007, C replaced by T.
Protein change: p.Thr336Met; replaces threonine 336 with methionine.
Molecular consequence: missense variant.
Genome position (GRCh38, 1-based): chr10:93,626,807, C>T. VCF-style: chr10-93626807-C-T. GRCh37 (hg19) VCF-style: chr10-95386564-C-T.
Other names: c.1007C>T (NM_006204.3); short protein forms T336M.
Identifiers: ClinVar variation 1153209 (VCV001153209.11), dbSNP rs202016434, ClinGen allele CA5610031.